The following is an entry in ClinVar:

ClinVar aggregate classification (germline): Benign/Likely benign. Review status: criteria provided, multiple submitters, no conflicts (2 of 4 stars). 3 submissions from 3 submitters: Benign (1); Likely benign (2). Last evaluated 2026-05-27.

Conditions:
Severe early-onset pulmonary alveolar proteinosis due to MARS deficiency. Also called: Interstitial lung and liver disease; PULMONARY ALVEOLAR PROTEINOSIS, REUNION ISLAND. Identifiers: Orphanet 440427, MedGen C4225400, MONDO:0014206, OMIM 615486.
Charcot-Marie-Tooth disease axonal type 2U. Also called: CHARCOT-MARIE-TOOTH NEUROPATHY, TYPE 2U; CHARCOT-MARIE-TOOTH DISEASE, AXONAL, AUTOSOMAL DOMINANT, TYPE 2U. Identifiers: Orphanet 397735, MedGen C4084821, MONDO:0014566, OMIM 616280.

Allele frequency attached by ClinVar (database versions not stated): TOPMed 0.00010; gnomAD 0.00011 and 0.00012; 1000 Genomes Project 30x 0.00016; ExAC 0.00020; ESP Exome Variant Server 0.00023; 1000 Genomes Project 0.00020; gnomAD exomes 0.00006 and 0.00019.
gnomAD v4.1: 120 of 1,614,220 alleles (0.0074%); highest among the groups gnomAD compares: East Asian, 0.2%; 1 homozygote.

Submissions (3):

Women's Health and Genetics/Laboratory Corporation of America, LabCorp
Classification: Benign. Last evaluated: 2026-05-27. Review status: criteria provided, single submitter. Criteria: LabCorp Variant Classification Summary - May 2015. Collection method: clinical testing. Allele origin: germline.
Comment: Variant summary: MARS1 c.1177G>A (p.Ala393Thr) results in a non-conservative amino acid change in the encoded protein sequence. Algorithms developed to predict the effect of missense changes on protein structure and function are either unavailable or do not agree on the potential impact of this missense change. The variant allele was found at a frequency of 7.4e-05 in 1614220 control chromosomes, predominantly at a frequency of 0.002 within the East Asian subpopulation in the gnomAD database, including 1 homozygote. The observed variant frequency within East Asian control individuals in the gnomAD database exceeds the estimated maximal expected allele frequency for disease-causing variants in MARS1, and the observation of a homozygous control is not consistent with the expected onset/severity of recessive MARS1-related conditions. c.1177G>A has been reported in the literature in individuals affected with pulmonary alveolar proteinosis or Charcot-Marie-Tooth disease without strong evidence of causality (Hadchouel_2015, La Fay_2021, Nam_2022). These reports do not provide unequivocal conclusions about association of the variant with MARS1-Related Disorders. Publications report experimental evidence evaluating an impact on protein function (Hadchouel_2015, Comiso_2018). These results showed no damaging effect of this variant in vitro. The following publications have been ascertained in the context of this evaluation (PMID: 25913036, 29775242, 34496286, 34813128). ClinVar contains an entry for this variant (Variation ID: 242615). Based on the evidence outlined above, the variant was classified as benign.

Labcorp Genetics (formerly Invitae), Labcorp
Classification: Likely benign for Charcot-Marie-Tooth disease axonal type 2U; Severe early-onset pulmonary alveolar proteinosis due to MARS deficiency. Last evaluated: 2026-02-01. Review status: criteria provided, single submitter. Criteria: Invitae Variant Classification Sherloc (09022015). Collection method: clinical testing. Allele origin: germline.

Ambry Genetics
Classification: Likely benign. Last evaluated: 2020-07-07. Review status: criteria provided, single submitter. Criteria: Ambry Variant Classification Scheme 2023. Collection method: clinical testing. Allele origin: germline.

Literature cited by the submitters: PubMed 29775242 (cited by Women's Health and Genetics/Laboratory Corporation of America, LabCorp); PubMed 25913036 (cited by Women's Health and Genetics/Laboratory Corporation of America, LabCorp); PubMed 34496286 (cited by Women's Health and Genetics/Laboratory Corporation of America, LabCorp); PubMed 34813128 (cited by Women's Health and Genetics/Laboratory Corporation of America, LabCorp).

NM_004990.4(MARS1):c.1177G>A (p.Ala393Thr)

Gene: MARS1 (methionyl-tRNA synthetase 1; plus strand). Cytogenetic location: 12q13.3.
Variant type: single nucleotide variant.
Coding change: c.1177G>A on transcript NM_004990.4 (MANE Select); coding-DNA position 1177, G replaced by A.
Protein change: p.Ala393Thr; replaces alanine 393 with threonine.
Molecular consequence: missense variant.
Genome position (GRCh38, 1-based): chr12:57,500,406, G>A. VCF-style: chr12-57500406-G-A. GRCh37 (hg19) VCF-style: chr12-57894189-G-A.
Other names: short protein forms A393T.
Identifiers: ClinVar variation 242615 (VCV000242615.15), dbSNP rs141340466, ClinGen allele CA051288.
Genomic context (GRCh38, chr12:57,500,406, plus strand): 5'-TTGCTGAAACGAGGTTTTGTGCTGCAAGATACTGTGGAGCAACTGCGATGTGAGCACTGT[G>A]CTCGCTTCCTGGCTGACCGCTTCGTGGAGGGCGTGTGTCCCTTCTGTGGCTATGAGGAGG-3'
Protein context (NP_004981.2, residues 383-403): TVEQLRCEHC[Ala393Thr]RFLADRFVEG